The following is an entry in ClinVar:

NM_005630.3(SLCO2A1):c.517A>C (p.Met173Leu)

Gene: SLCO2A1 (solute carrier organic anion transporter family member 2A1; minus strand). Cytogenetic location: 3q22.1.
Variant type: single nucleotide variant.
Coding change: c.517A>C on transcript NM_005630.3 (MANE Select); coding-DNA position 517, A replaced by C.
Protein change: p.Met173Leu; replaces methionine 173 with leucine.
Molecular consequence: missense variant.
Genome position (GRCh38, 1-based): chr3:133,955,074, T>G on the plus strand (A>C on the coding strand, the complement: SLCO2A1 is on the minus strand). VCF-style: chr3-133955074-T-G. GRCh37 (hg19) VCF-style: chr3-133673918-T-G.
Other names: short protein forms M173L.
Identifiers: ClinVar variation 1960894 (VCV001960894.5), dbSNP rs2472467164, ClinGen allele CA354618252.

ClinVar aggregate classification (germline): Uncertain significance (1 of 4 stars; one submission).

Submission:

Labcorp Genetics (formerly Invitae), Labcorp
Classification: Uncertain significance. Last evaluated: 2024-10-21. Review status: criteria provided, single submitter. Criteria: Invitae Variant Classification Sherloc (09022015). Collection method: clinical testing. Allele origin: germline.
Comment: This sequence change replaces methionine, which is neutral and non-polar, with leucine, which is neutral and non-polar, at codon 173 of the SLCO2A1 protein (p.Met173Leu). This variant is not present in population databases (gnomAD no frequency). This variant has not been reported in the literature in individuals affected with SLCO2A1-related conditions. ClinVar contains an entry for this variant (Variation ID: 1960894). Invitae Evidence Modeling of protein sequence and biophysical properties (such as structural, functional, and spatial information, amino acid conservation, physicochemical variation, residue mobility, and thermodynamic stability) indicates that this missense variant is not expected to disrupt SLCO2A1 protein function with a negative predictive value of 95%. In summary, the available evidence is currently insufficient to determine the role of this variant in disease. Therefore, it has been classified as a Variant of Uncertain Significance.